The following is an entry in ClinVar:

NM_005378.6(MYCN):c.1392C>G (p.Cys464Trp)

Gene: MYCN (MYCN proto-oncogene, bHLH transcription factor; plus strand). Cytogenetic location: 2p24.3.
Variant type: single nucleotide variant.
Coding change: c.1392C>G on transcript NM_005378.6 (MANE Select); coding-DNA position 1392, C replaced by G.
Protein change: p.Cys464Trp; replaces cysteine 464 with tryptophan.
Molecular consequence: missense variant. On other transcripts: 3 prime UTR variant (1).
Genome position (GRCh38, 1-based): chr2:15,946,094, C>G. VCF-style: chr2-15946094-C-G. GRCh37 (hg19) VCF-style: chr2-16086216-C-G.
Other names: c.1392C>G, p.Cys464Trp (NM_001293228.2); c.759C>G, p.Cys253Trp (NM_001293231.2); c.*1327C>G (NM_001293233.2); short protein forms C464W, C253W.
Identifiers: ClinVar variation 4989073 (VCV004989073.1).
Genomic context (GRCh38, chr2:15,946,094, plus strand): 5'-GGAAAAATTGCAGGCAAGACAGCAGCAGTTGCTAAAGAAAATTGAACACGCTCGGACTTG[C>G]TAGACGCTTCTCAAAACTGGACAGTCACTGCCACTTTGCACATTTTGATTTTTTTTTTAA-3'
Protein context (NP_005369.2, residues 454-464): LLKKIEHART[Cys464Trp]

ClinVar aggregate classification (germline): Likely benign (1 of 4 stars; one submission).

Conditions:
MYCN-related disorder. Also called: MYCN-related condition.

gnomAD v4.1: 100 of 1,614,022 alleles (0.0062%); highest among the groups gnomAD compares: Middle Eastern, 0.016%; no homozygotes.

Submission:

PreventionGenetics, part of Exact Sciences
Classification: Likely benign for MYCN-related condition. Last evaluated: 2025-09-09. Review status: criteria provided, single submitter. Criteria: ACMG Guidelines, 2015. Collection method: clinical testing. Allele origin: germline.
Comment: This variant is classified as likely benign based on ACMG/AMP sequence variant interpretation guidelines (Richards et al. 2015 PMID: 25741868, with internal and published modifications).